The following continues an entry in ClinVar:

NM_000256.3(MYBPC3):c.2870C>G (p.Thr957Ser)

Gene: MYBPC3. ClinVar aggregate classification (germline): Conflicting classifications of pathogenicity. Uncertain significance (6); Benign (1); Likely benign (12).

Submissions 18 to 20 of 20:

CSER _CC_NCGL, University of Washington
Classification: Uncertain significance for Cardiomyopathy, hypertrophic. Last evaluated: 2014-06-01. Review status: criteria provided, single submitter. Criteria: Amendola et al. (Genome Res. 2015). Collection method: research. Allele origin: germline. Inheritance: Autosomal dominant inheritance. Study: ESP 6500 variant annotation.
Comment: Low GERP score may suggest that this variant may belong in a lower pathogenicity class

Variants classified for the Actionable exomic incidental findings in 6503 participants: challenges of variant classification manuscript

Biesecker Lab/Clinical Genomics Section, National Institutes of Health
Classification: Likely benign for Cardiomyopathy, hypertrophic. Last evaluated: 2013-06-24. Review status: criteria provided, single submitter. Criteria: Ng et al. (Circ Cardiovasc Genet. 2013). Collection method: research. Allele origin: unknown. Observed: 2 variant alleles. Study: ClinSeq.
Comment: The study set was not selected for affection status in relation to any cancer. Pathogenicity categories were based on literature curation. See Pubmed ID:23861362 for details.

Medical sequencing

Agnes Ginges Centre for Molecular Cardiology, Centenary Institute
Classification: Benign for Primary dilated cardiomyopathy. Last evaluated: 2019-12-05. Review status: no assertion criteria provided. Collection method: research. Allele origin: germline. Inheritance: Autosomal dominant inheritance. Affected: yes. Not counted in ClinVar's aggregate classification.
Comment: MYBPC3 Thr957Ser is present in the Genome Aggregation Database at an allele frequency of 0.0009. In silico tools SIFT, PolyPhen-HCM and MutationTaster predict this variant to be benign. In summary, we have classified the MYBPC3 Thr957Ser variant as "Benign" based on its frequency in the general population, prediction of in silico tool, and the lack of segregation in our family.

Literature cited by the submitters: PubMed 18957093 (cited by 4 submitters); PubMed 20433692 (cited by 3 submitters); PubMed 21511876 (cited by 3 submitters); PubMed 21835320 (cited by 3 submitters); PubMed 23299917 (cited by 3 submitters); PubMed 22958901 (cited by Women's Health and Genetics/Laboratory Corporation of America, LabCorp); PubMed 22267749 (cited by Women's Health and Genetics/Laboratory Corporation of America, LabCorp); PubMed 24055113 (cited by 3 submitters); PubMed 24503780 (cited by Women's Health and Genetics/Laboratory Corporation of America, LabCorp); PubMed 24119082 (cited by 3 submitters); PubMed 25637381 (cited by Women's Health and Genetics/Laboratory Corporation of America, LabCorp); PubMed 25569433 (cited by Women's Health and Genetics/Laboratory Corporation of America, LabCorp); PubMed 25163546 (cited by Women's Health and Genetics/Laboratory Corporation of America, LabCorp); PubMed 27576561 (cited by Women's Health and Genetics/Laboratory Corporation of America, LabCorp); PubMed 27435932 (cited by Women's Health and Genetics/Laboratory Corporation of America, LabCorp); PubMed 29121657 (cited by Women's Health and Genetics/Laboratory Corporation of America, LabCorp); PubMed 26332198 (cited by Women's Health and Genetics/Laboratory Corporation of America, LabCorp); PubMed 27194543 (cited by Women's Health and Genetics/Laboratory Corporation of America, LabCorp); PubMed 29875424 (cited by Women's Health and Genetics/Laboratory Corporation of America, LabCorp); PubMed 34935411 (cited by Women's Health and Genetics/Laboratory Corporation of America, LabCorp); PubMed 27561770 (cited by Agnes Ginges Centre for Molecular Cardiology, Centenary Institute).